The following is an entry in ClinVar:

ClinVar aggregate classification (germline): Uncertain significance. Review status: criteria provided, multiple submitters, no conflicts (2 of 4 stars). 2 submissions from 2 submitters: Uncertain significance (2). Last evaluated 2026-01-14.

Conditions:
Frontotemporal dementia and/or amyotrophic lateral sclerosis 4. Also called: FTDALS4. Identifiers: Orphanet 275872, MedGen C4225325, MONDO:0014641, OMIM 616439.

Allele frequency attached by ClinVar (database versions not stated): gnomAD exomes 0.00001 and 0.00002; ExAC 0.00002; TOPMed 0.00002; gnomAD 0.00003.
gnomAD v4.1: 10 of 1,613,842 alleles (0.00062%); highest among the groups gnomAD compares: Admixed American, 0.0017%; no homozygotes.

Submissions (2):

Labcorp Genetics (formerly Invitae), Labcorp
Classification: Uncertain significance for Frontotemporal dementia and/or amyotrophic lateral sclerosis 4. Last evaluated: 2026-01-14. Review status: criteria provided, single submitter. Criteria: Invitae Variant Classification Sherloc (09022015). Collection method: clinical testing. Allele origin: germline.
Comment: This sequence change replaces isoleucine, which is neutral and non-polar, with valine, which is neutral and non-polar, at codon 14 of the TBK1 protein (p.Ile14Val). This variant is present in population databases (rs781325780, gnomAD 0.007%). This variant has not been reported in the literature in individuals affected with TBK1-related conditions. ClinVar contains an entry for this variant (Variation ID: 475939). Invitae Evidence Modeling of protein sequence and biophysical properties (such as structural, functional, and spatial information, amino acid conservation, physicochemical variation, residue mobility, and thermodynamic stability) indicates that this missense variant is not expected to disrupt TBK1 protein function with a negative predictive value of 95%. Experimental studies have shown that this missense change does not substantially affect TBK1 function (PMID: 28008748). In summary, the available evidence is currently insufficient to determine the role of this variant in disease. Therefore, it has been classified as a Variant of Uncertain Significance.

Women's Health and Genetics/Laboratory Corporation of America, LabCorp
Classification: Uncertain significance. Last evaluated: 2025-01-15. Review status: criteria provided, single submitter. Criteria: LabCorp Variant Classification Summary - May 2015. Collection method: clinical testing. Allele origin: germline.
Comment: Variant summary: TBK1 c.40A>G (p.Ile14Val) results in a conservative amino acid change located in the Protein kinase domain (IPR000719) of the encoded protein sequence. Four of five in-silico tools predict a benign effect of the variant on protein function. The variant allele was found at a frequency of 2e-05 in 251158 control chromosomes. The available data on variant occurrences in the general population are insufficient to allow any conclusion about variant significance. To our knowledge, no occurrence of c.40A>G in individuals affected with Autoinflammation with arthritis and vasculitis has been reported. At least one publication reports experimental evidence evaluating an impact on protein function, with the variant showing no damaging effect on NFKB-induced luciferase activity compared to WT (e.g. vanderZee_2017). The following publication has been ascertained in the context of this evaluation (PMID: 28008748). ClinVar contains an entry for this variant (Variation ID: 475939). Based on the evidence outlined above, the variant was classified as uncertain significance.

Literature cited by the submitters: PubMed 28008748 (cited by Labcorp Genetics (formerly Invitae), Labcorp and Women's Health and Genetics/Laboratory Corporation of America, LabCorp).

NM_013254.4(TBK1):c.40A>G (p.Ile14Val)

Gene: TBK1 (TANK binding kinase 1; plus strand). Cytogenetic location: 12q14.2.
Variant type: single nucleotide variant.
Coding change: c.40A>G on transcript NM_013254.4 (MANE Select); coding-DNA position 40, A replaced by G.
Protein change: p.Ile14Val; replaces isoleucine 14 with valine.
Molecular consequence: missense variant.
Genome position (GRCh38, 1-based): chr12:64,455,910, A>G. VCF-style: chr12-64455910-A-G. GRCh37 (hg19) VCF-style: chr12-64849690-A-G.
Other names: c.40A>G, p.Ile14Val (LRG_1306t1); short protein forms I14V.
Identifiers: ClinVar variation 475939 (VCV000475939.10), dbSNP rs781325780, ClinGen allele CA6668702.